The following is an entry in ClinVar:

NM_000051.4(ATM):c.5948= (p.Ser1983=)

Genes: ATM (ATM serine/threonine kinase; plus strand), C11orf65 (chromosome 11 open reading frame 65; minus strand). Cytogenetic location: 11q22.3.
Variant type: single nucleotide variant.
Coding change: c.5948= on transcript NM_000051.4 (MANE Select); coding-DNA position 5948, no change from the reference sequence.
Protein change: p.Ser1983=; no amino-acid change (serine 1983 retained).
Molecular consequence: no sequence alteration. On other transcripts: synonymous variant (1), intron variant (2).
Genome position: GRCh38 VCF-style: chr11-108312440-G-G. GRCh37 (hg19) VCF-style: chr11-108183167-A-G.
Other names: c.5948G=, p.Ser1983= (NM_000051.3); c.5948=, p.Ser1983= (NM_001351834.2); c.641-3369= (NM_001330368.2); c.*39-3369= (NM_001351110.2).
Identifiers: ClinVar variation 133627 (VCV000133627.36), dbSNP rs659243.
Genomic context (GRCh38, chr11:108,312,440, plus strand): 5'-TCATTAAAAGAGGTGTTCTTGTGACAAACAGAAGTCTTGCATTTGAAGAAGGAAGCCAGA[G=]TACAACTATTTCTAGCTTGAGTGAAAAAAGTAAAGAAGAAACTGGAATAAGTTTACAGGT-3'
Protein context (NP_000042.3, residues 1973-1993): RSLAFEEGSQ[Ser1983=]TTISSLSEKS

ClinVar aggregate classification (germline): Benign/Likely benign. Review status: criteria provided, multiple submitters, no conflicts (2 of 4 stars). 11 submissions from 11 submitters: Benign (5); Likely benign (1). 5 of the submissions do not count toward it. Last evaluated 2026-02-04.

Conditions:
Familial cancer of breast. Also called: BREAST CANCER, FAMILIAL; hereditary breast carcinoma; Hereditary breast cancer. Identifiers: Orphanet 227535, MedGen C0346153, MONDO:0016419, OMIM 114480. Disease mechanism: loss of function.
Ataxia-telangiectasia syndrome (AT). Also called: Ataxia-telangiectasia, complementation group D; AT, COMPLEMENTATION GROUP C; Ataxia-telangiectasia; ATAXIA-TELANGIECTASIA, COMPLEMENTATION GROUP A; ATAXIA-TELANGIECTASIA, FRESNO VARIANT; Ataxia-telangiectasia, complementation group E. Identifiers: Orphanet 100, MedGen C0004135, MONDO:0008840, OMIM 208900.

Submissions (11):

Labcorp Genetics (formerly Invitae), Labcorp
Classification: Benign for Ataxia-telangiectasia syndrome. Last evaluated: 2026-02-04. Review status: criteria provided, single submitter. Criteria: Invitae Variant Classification Sherloc (09022015). Collection method: clinical testing. Allele origin: germline.

ARUP Laboratories, Molecular Genetics and Genomics, ARUP Laboratories
Classification: Benign. Last evaluated: 2025-07-30. Review status: criteria provided, single submitter. Criteria: ARUP Molecular Germline Variant Investigation Process 2024. Collection method: clinical testing. Allele origin: germline.

Blueprint Genetics
Classification: Likely benign. Last evaluated: 2024-11-27. Review status: criteria provided, single submitter. Criteria: ACMG Guidelines, 2015. Collection method: clinical testing. Allele origin: germline.

Myriad Genetics, Inc.
Classification: Benign for Familial cancer of breast. Last evaluated: 2024-05-28. Review status: criteria provided, single submitter. Criteria: Myriad Autosomal Dominant, Autosomal Recessive and X-Linked Classification Criteria (2023). Collection method: clinical testing. Allele origin: unknown.
Comment: This variant is considered benign. This variant has been observed at a population frequency that is significantly greater than expected given the associated disease prevalence and penetrance.

Eurofins Ntd Llc (ga)
Classification: Benign. Last evaluated: 2014-07-08. Review status: criteria provided, single submitter. Criteria: EGL Classification Definitions 2015. Collection method: clinical testing. Allele origin: germline. Observed: 2 variant alleles, 2 homozygotes.

Breakthrough Genomics
Classification: Benign. Review status: criteria provided, single submitter. Criteria: ACMG Guidelines, 2015. Collection method: not provided. Allele origin: germline. Inheritance: Autosomal recessive inheritance. Affected: yes.

ITMI
No classification provided. Condition: AllHighlyPenetrant. Last evaluated: 2013-09-19. Review status: no classification provided. Collection method: reference population. Allele origin: germline. Not counted in ClinVar's aggregate classification.
Comment: Please see associated publication for description of ethnicities

Clinical Genetics Laboratory, Department of Pathology, Netherlands Cancer Institute
Classification: Benign. Review status: no assertion criteria provided. Collection method: clinical testing. Allele origin: germline. Affected: yes. Study: VKGL Data-share Consensus. Not counted in ClinVar's aggregate classification.

Clinical Genetics, Academic Medical Center
Classification: Benign. Review status: no assertion criteria provided. Collection method: clinical testing. Allele origin: germline. Affected: yes. Study: VKGL Data-share Consensus. Not counted in ClinVar's aggregate classification.

Diagnostic Laboratory, Department of Genetics, University Medical Center Groningen
Classification: Benign. Review status: no assertion criteria provided. Collection method: clinical testing. Allele origin: germline. Affected: yes. Study: VKGL Data-share Consensus. Not counted in ClinVar's aggregate classification.

Joint Genome Diagnostic Labs from Nijmegen and Maastricht, Radboudumc and MUMC+
Classification: Benign. Review status: no assertion criteria provided. Collection method: clinical testing. Allele origin: germline. Affected: yes. Study: VKGL Data-share Consensus. Not counted in ClinVar's aggregate classification.

Literature cited by the submitters: PubMed 24728327 (cited by ITMI).